The following is an entry in ClinVar:

ClinVar aggregate classification (germline): Likely benign (1 of 4 stars; one submission).

Submission:

CeGaT Center for Human Genetics Tuebingen
Classification: Likely benign. Last evaluated: 2024-12-01. Review status: criteria provided, single submitter. Criteria: CeGaT Center For Human Genetics Tuebingen Variant Classification Criteria Version 2. Collection method: clinical testing. Allele origin: germline. Affected: yes. Observed: 1 variant allele.
Comment: TBC1D3H: BP4, BP7

NM_001123392.4(TBC1D3H):c.1569C>T (p.Asp523=)

Gene: TBC1D3H (TBC1 domain family member 3H; minus strand). Cytogenetic location: 17q12.
Variant type: single nucleotide variant.
Coding change: c.1569C>T on transcript NM_001123392.4 (MANE Select); coding-DNA position 1569, C replaced by T.
Protein change: p.Asp523=; no amino-acid change (aspartic acid 523 retained).
Molecular consequence: synonymous variant.
Genome position (GRCh38, 1-based): chr17:36,377,927, G>A on the plus strand (C>T on the coding strand, the complement: TBC1D3H is on the minus strand). VCF-style: chr17-36377927-G-A. GRCh37 (hg19) VCF-style: chr17-34746515-G-A.
Identifiers: ClinVar variation 3771400 (VCV003771400.13).
Genomic context (GRCh38, chr17:36,377,927, plus strand): 5'-AGAACTTTCCAAGTGGAGGCCGCAGAGGCAAGGCCCTGAGGTGGGAGCACACTGCTGTTC[G>A]TCCCTAGCTCTGAAGGGGGTGCCCTGGTCGGAATCAGTGCTGGGTGCAGCGAAAGCCGAT-3'
Protein context (NP_001116864.3, residues 513-533): SDQGTPFRAR[Asp523=]EQQCAPTSGP